The following is an entry in ClinVar:

ClinVar aggregate classification (germline): Conflicting classifications of pathogenicity. Review status: criteria provided, conflicting classifications (1 of 4 stars). 2 submissions from 2 submitters: Uncertain significance (1); Likely benign (1). Last evaluated 2025-10-19.

Conditions:
Inborn genetic diseases. Identifiers: MedGen C0950123, MeSH D030342.
Dyskeratosis congenita, autosomal recessive 5 (DKCB5). Identifiers: MedGen C3554656, MONDO:0014076, OMIM 615190.
Pulmonary fibrosis and/or bone marrow failure, Telomere-related, 3. Also called: PULMONARY FIBROSIS AND/OR BONE MARROW FAILURE SYNDROME, TELOMERE-RELATED, 3. Identifiers: Orphanet 2032, MedGen C4225346, MONDO:0014613, OMIM 616373.

gnomAD v4.1: 1 of 1,609,244 alleles (0.000062%); highest among the groups gnomAD compares: African/African-American, 0.0013%; no homozygotes.

Submissions (2):

Ambry Genetics
Classification: Likely benign for Inborn genetic diseases. Last evaluated: 2025-10-19. Review status: criteria provided, single submitter. Criteria: Ambry Variant Classification Scheme 2023. Collection method: clinical testing. Allele origin: germline.

Labcorp Genetics (formerly Invitae), Labcorp
Classification: Uncertain significance for Dyskeratosis congenita, autosomal recessive 5; Pulmonary fibrosis and/or bone marrow failure, Telomere-related, 3. Last evaluated: 2025-10-15. Review status: criteria provided, single submitter. Criteria: Invitae Variant Classification Sherloc (09022015). Collection method: clinical testing. Allele origin: germline.
Comment: This sequence change replaces histidine, which is basic and polar, with arginine, which is basic and polar, at codon 465 of the RTEL1 protein (p.His465Arg). This variant is present in population databases (no rsID available, gnomAD 0.0009%). This variant has not been reported in the literature in individuals affected with RTEL1-related conditions. An algorithm developed to predict the effect of missense changes on protein structure and function outputs the following: PolyPhen-2: "Benign". The arginine amino acid residue is found in multiple mammalian species, which suggests that this missense change does not adversely affect protein function. In summary, the available evidence is currently insufficient to determine the role of this variant in disease. Therefore, it has been classified as a Variant of Uncertain Significance.

NM_001283009.2(RTEL1):c.1394A>G (p.His465Arg)

Genes: RTEL1 (regulator of telomere elongation helicase 1; plus strand), RTEL1-TNFRSF6B (RTEL1-TNFRSF6B readthrough (NMD candidate); plus strand). Cytogenetic location: 20q13.33.
Variant type: single nucleotide variant.
Coding change: c.1394A>G on transcript NM_001283009.2 (MANE Select); coding-DNA position 1394, A replaced by G.
Protein change: p.His465Arg; replaces histidine 465 with arginine.
Molecular consequence: missense variant. On other transcripts: non-coding transcript variant (1).
Genome position (GRCh38, 1-based): chr20:63,687,683, A>G. VCF-style: chr20-63687683-A-G. GRCh37 (hg19) VCF-style: chr20-62319036-A-G.
Other names: c.725A>G, p.His242Arg (NM_001283010.1); c.1394A>G, p.His465Arg (NM_016434.4); c.1466A>G, p.His489Arg (NM_032957.5); short protein forms H242R, H465R, H489R.
Identifiers: ClinVar variation 4629549 (VCV004629549.2).